The following is an entry in ClinVar:

NM_000180.4(GUCY2D):c.568C>T (p.Pro190Ser)

Gene: GUCY2D (guanylate cyclase 2D, retinal; plus strand). Cytogenetic location: 17p13.1.
Variant type: single nucleotide variant.
Coding change: c.568C>T on transcript NM_000180.4 (MANE Select); coding-DNA position 568, C replaced by T.
Protein change: p.Pro190Ser; replaces proline 190 with serine.
Molecular consequence: missense variant.
Genome position (GRCh38, 1-based): chr17:8,003,615, C>T. VCF-style: chr17-8003615-C-T. GRCh37 (hg19) VCF-style: chr17-7906933-C-T.
Other names: short protein forms P190S.
Identifiers: ClinVar variation 3372141 (VCV003372141.1).

ClinVar aggregate classification (germline): Uncertain significance (1 of 4 stars; one submission).

Submission:

GeneDx
Classification: Uncertain significance. Last evaluated: 2024-04-11. Review status: criteria provided, single submitter. Criteria: GeneDx Variant Classification Process June 2021. Collection method: clinical testing. Allele origin: germline. Affected: yes.
Comment: Not observed at significant frequency in large population cohorts (gnomAD); In silico analysis indicates that this missense variant does not alter protein structure/function; Has not been previously published as pathogenic or benign to our knowledge